The following is an entry in ClinVar:

NM_001267550.2(TTN):c.81958G>A (p.Ala27320Thr)

Genes: TTN (titin; minus strand), TTN-AS1 (TTN antisense RNA 1; plus strand). Cytogenetic location: 2q31.2.
Variant type: single nucleotide variant.
Coding change: c.81958G>A on transcript NM_001267550.2 (MANE Select); coding-DNA position 81958, G replaced by A.
Protein change: p.Ala27320Thr; replaces alanine 27320 with threonine.
Molecular consequence: missense variant.
Genome position (GRCh38, 1-based): chr2:178,564,174, C>T on the plus strand (G>A on the coding strand, the complement: TTN is on the minus strand). VCF-style: chr2-178564174-C-T. GRCh37 (hg19) VCF-style: chr2-179428901-C-T.
Other names: p.A25679T:GCT>ACT; c.77035G>A, p.Ala25679Thr (NM_001256850.1); c.54763G>A, p.Ala18255Thr (NM_003319.4); c.74254G>A, p.Ala24752Thr (NM_133378.4); c.55138G>A, p.Ala18380Thr (NM_133432.3); c.55339G>A, p.Ala18447Thr (NM_133437.4); short protein forms A27320T, A24752T, A25679T, A18255T, A18380T, A18447T.
Identifiers: ClinVar variation 47405 (VCV000047405.55), dbSNP rs56365600, ClinGen allele CA283889.

ClinVar aggregate classification (germline): Benign/Likely benign. Review status: criteria provided, multiple submitters, no conflicts (2 of 4 stars). 29 submissions from 22 submitters: Benign (20); Likely benign (3). 6 of the submissions do not count toward it. Last evaluated 2026-02-03.

Conditions:
Dilated cardiomyopathy 1G (CMD1G). Identifiers: Orphanet 154, MedGen C1858763, MONDO:0011400, OMIM 604145.
Autosomal recessive limb-girdle muscular dystrophy type 2J (LGMDR10). Also called: MUSCULAR DYSTROPHY, LIMB-GIRDLE, AUTOSOMAL RECESSIVE 10; Limb-girdle muscular dystrophy, type 2J. Identifiers: Orphanet 140922, MedGen C1837342, MONDO:0012127, OMIM 608807.
Cardiovascular phenotype. Identifiers: MedGen CN230736.
Cardiomyopathy (CMYO). Also called: Cardiomyopathies. Identifiers: Orphanet 167848, MedGen C0878544, MONDO:0004994, HP:0001638. Inheritance: Various modes of inheritance.
Early-onset myopathy with fatal cardiomyopathy (CMYO5). Also called: CONGENITAL MYOPATHY 5 WITH CARDIOMYOPATHY; Salih Myopathy. Identifiers: Orphanet 289377, MedGen C2673677, MONDO:0012714, OMIM 611705. Disease mechanism: loss of function.
Myopathy, myofibrillar, 9, with early respiratory failure (MFM9). Also called: Myopathy, distal, with early respiratory failure, autosomal dominant; Hereditary myopathy with early respiratory failure; MYOPATHY, PROXIMAL, WITH EARLY RESPIRATORY MUSCLE INVOLVEMENT; EDSTROM MYOPATHY. Identifiers: Orphanet 178464, Orphanet 34521, MedGen C1863599, MONDO:0011362, OMIM 603689.
Tibial muscular dystrophy (TMD). Also called: Udd Distal Myopathy – Tibial Muscular Dystrophy; Tibial muscular dystrophy, tardive; UDD MYOPATHY. Identifiers: Orphanet 609, MedGen C1838244, MONDO:0010870, OMIM 600334.

Allele frequency attached by ClinVar (database versions not stated): gnomAD 0.01984 and 0.01825; gnomAD exomes 0.00177 and 0.00457; ExAC 0.00548; 1000 Genomes Project 30x 0.01640; ESP Exome Variant Server 0.02088; TOPMed 0.02119; 1000 Genomes Project 0.01617.
gnomAD v4.1: 5,496 of 1,613,696 alleles (0.34%); highest among the groups gnomAD compares: African/African-American, 6.5%; 180 homozygotes.

Submissions (29):

Labcorp Genetics (formerly Invitae), Labcorp
Classification: Benign for Dilated cardiomyopathy 1G; Autosomal recessive limb-girdle muscular dystrophy type 2J. Last evaluated: 2026-02-03. Review status: criteria provided, single submitter. Criteria: Invitae Variant Classification Sherloc (09022015). Collection method: clinical testing. Allele origin: germline.

ARUP Laboratories, Molecular Genetics and Genomics, ARUP Laboratories
Classification: Benign. Last evaluated: 2025-05-14. Review status: criteria provided, single submitter. Criteria: ARUP Molecular Germline Variant Investigation Process 2024. Collection method: clinical testing. Allele origin: germline.

Molecular Diagnostic Laboratory for Inherited Cardiovascular Disease, Montreal Heart Institute
Classification: Benign. Last evaluated: 2025-04-09. Review status: criteria provided, single submitter. Criteria: ACMG Guidelines, 2015. Collection method: clinical testing. Allele origin: germline. Affected: no.

Athena Diagnostics
Classification: Benign. Last evaluated: 2025-03-13. Review status: criteria provided, single submitter. Criteria: Athena Diagnostics Criteria. Collection method: clinical testing. Allele origin: unknown.
Comment: The frequency of this variant in the general population is higher than would generally be expected for pathogenic variants in this gene.

Genome-Nilou Lab
Classification: Benign for Autosomal recessive limb-girdle muscular dystrophy type 2J. Last evaluated: 2021-09-10. Review status: criteria provided, single submitter. Criteria: ACMG Guidelines, 2015. Collection method: clinical testing. Allele origin: germline. Affected: no.

Genome-Nilou Lab
Classification: Benign for Myopathy, myofibrillar, 9, with early respiratory failure. Last evaluated: 2021-09-10. Review status: criteria provided, single submitter. Criteria: ACMG Guidelines, 2015. Collection method: clinical testing. Allele origin: germline. Affected: no.

Genome-Nilou Lab
Classification: Benign for Early-onset myopathy with fatal cardiomyopathy. Last evaluated: 2021-09-10. Review status: criteria provided, single submitter. Criteria: ACMG Guidelines, 2015. Collection method: clinical testing. Allele origin: germline. Affected: no.

Genome-Nilou Lab
Classification: Benign for Tibial muscular dystrophy. Last evaluated: 2021-09-10. Review status: criteria provided, single submitter. Criteria: ACMG Guidelines, 2015. Collection method: clinical testing. Allele origin: germline. Affected: no.

Women's Health and Genetics/Laboratory Corporation of America, LabCorp
Classification: Likely benign. Last evaluated: 2020-04-12. Review status: criteria provided, single submitter. Criteria: LabCorp Variant Classification Summary - May 2015. Collection method: clinical testing. Allele origin: germline.

Mayo Clinic Laboratories, Mayo Clinic
Classification: Benign. Last evaluated: 2019-03-06. Review status: criteria provided, single submitter. Criteria: ACMG Guidelines, 2015. Collection method: clinical testing. Allele origin: germline. Observed: 38 variant alleles.

Illumina Laboratory Services, Illumina
Classification: Benign for Autosomal recessive limb-girdle muscular dystrophy type 2J. Last evaluated: 2018-01-13. Review status: criteria provided, single submitter. Criteria: ICSL Variant Classification Criteria 13 December 2019. Collection method: clinical testing. Allele origin: germline.
Comment: This variant was observed in the ICSL laboratory as part of a predisposition screen in an ostensibly healthy population. It had not been previously curated by ICSL or reported in the Human Gene Mutation Database (HGMD: prior to June 1st, 2018), and was therefore a candidate for classification through an automated scoring system. Utilizing variant allele frequency, disease prevalence and penetrance estimates, and inheritance mode, an automated score was calculated to assess if this variant is too frequent to cause the disease. Based on the score and internal cut-off values, a variant classified as benign is not then subjected to further curation. The score for this variant resulted in a classification of benign for this disease.

Illumina Laboratory Services, Illumina
Classification: Benign for Myopathy, myofibrillar, 9, with early respiratory failure. Last evaluated: 2018-01-13. Review status: criteria provided, single submitter. Criteria: ICSL Variant Classification Criteria 13 December 2019. Collection method: clinical testing. Allele origin: germline.
Comment: the same text as in the submission from Illumina Laboratory Services, Illumina above.

Illumina Laboratory Services, Illumina
Classification: Likely benign for Dilated cardiomyopathy 1G. Last evaluated: 2018-01-13. Review status: criteria provided, single submitter. Criteria: ICSL Variant Classification Criteria 13 December 2019. Collection method: clinical testing. Allele origin: germline.
Comment: This variant was observed in the ICSL laboratory as part of a predisposition screen in an ostensibly healthy population. It had not been previously curated by ICSL or reported in the Human Gene Mutation Database (HGMD: prior to June 1st, 2018), and was therefore a candidate for classification through an automated scoring system. Utilizing variant allele frequency, disease prevalence and penetrance estimates, and inheritance mode, an automated score was calculated to assess if this variant is too frequent to cause the disease. Based on the score and internal cut-off values, a variant classified as likely benign is not then subjected to further curation. The score for this variant resulted in a classification of likely benign for this disease.

Illumina Laboratory Services, Illumina
Classification: Benign for Early-onset myopathy with fatal cardiomyopathy. Last evaluated: 2018-01-13. Review status: criteria provided, single submitter. Criteria: ICSL Variant Classification Criteria 13 December 2019. Collection method: clinical testing. Allele origin: germline.
Comment: the same text as in the submission from Illumina Laboratory Services, Illumina above.

Illumina Laboratory Services, Illumina
Classification: Benign for Tibial muscular dystrophy. Last evaluated: 2018-01-13. Review status: criteria provided, single submitter. Criteria: ICSL Variant Classification Criteria 13 December 2019. Collection method: clinical testing. Allele origin: germline.
Comment: the same text as in the submission from Illumina Laboratory Services, Illumina above.

CHEO Genetics Diagnostic Laboratory, Children's Hospital of Eastern Ontario
Classification: Benign for Cardiomyopathy. Last evaluated: 2016-03-08. Review status: criteria provided, single submitter. Criteria: ACMG Guidelines, 2015. Collection method: clinical testing. Allele origin: germline. Study: Canadian Open Genetics Repository.

GeneDx
Classification: Benign. Last evaluated: 2014-04-29. Review status: criteria provided, single submitter. Criteria: GeneDx Variant Classification (06012015). Collection method: clinical testing. Allele origin: germline. Affected: yes.
Comment: This variant is considered likely benign or benign based on one or more of the following criteria: it is a conservative change, it occurs at a poorly conserved position in the protein, it is predicted to be benign by multiple in silico algorithms, and/or has population frequency not consistent with disease.

Eurofins Ntd Llc (ga)
Classification: Benign. Last evaluated: 2013-07-26. Review status: criteria provided, single submitter. Criteria: EGL Classification Definitions 2015. Collection method: clinical testing. Allele origin: germline. Observed: 1 variant allele, 1 heterozygote.

Biesecker Lab/Clinical Genomics Section, National Institutes of Health
Classification: Benign. Last evaluated: 2013-06-24. Review status: criteria provided, single submitter. Criteria: Ng et al. (Circ Cardiovasc Genet. 2013). Collection method: research. Allele origin: unknown. Observed: 4 variant alleles. Study: ClinSeq.
Comment: The study set was not selected for affection status in relation to any cancer. Pathogenicity categories were based on literature curation. See Pubmed ID:23861362 for details.

Medical sequencing

Ambry Genetics
Classification: Benign for Cardiovascular phenotype. Last evaluated: 2013-02-26. Review status: criteria provided, single submitter. Criteria: Ambry Autosomal Dominant and X-Linked criteria (10/2015). Collection method: clinical testing. Allele origin: germline. Observed: 1 variant allele.

Laboratory for Molecular Medicine, Mass General Brigham Personalized Medicine
Classification: Benign. Last evaluated: 2012-04-25. Review status: criteria provided, single submitter. Criteria: LMM Criteria. Collection method: clinical testing. Allele origin: germline. Observed: 30 variant alleles.

Breakthrough Genomics
Classification: Likely benign. Review status: criteria provided, single submitter. Criteria: ACMG Guidelines, 2015. Collection method: not provided. Allele origin: germline. Inheritance: Autosomal recessive inheritance. Affected: yes.

PreventionGenetics, part of Exact Sciences
Classification: Benign. Review status: criteria provided, single submitter. Criteria: ACMG Guidelines, 2015. Collection method: clinical testing. Allele origin: germline.

Clinical Genetics DNA and cytogenetics Diagnostics Lab, Erasmus MC, Erasmus Medical Center
Classification: Benign. Review status: no assertion criteria provided. Collection method: clinical testing. Allele origin: germline. Affected: yes. Study: VKGL Data-share Consensus. Not counted in ClinVar's aggregate classification.

Clinical Genetics, Academic Medical Center
Classification: Benign. Review status: no assertion criteria provided. Collection method: clinical testing. Allele origin: germline. Affected: yes. Study: VKGL Data-share Consensus. Not counted in ClinVar's aggregate classification.

Diagnostic Laboratory, Department of Genetics, University Medical Center Groningen
Classification: Likely benign. Review status: no assertion criteria provided. Collection method: clinical testing. Allele origin: germline. Affected: yes. Study: VKGL Data-share Consensus. Not counted in ClinVar's aggregate classification.

Genetic Services Laboratory, University of Chicago
Classification: Likely benign for AllHighlyPenetrant. Review status: no assertion criteria provided. Collection method: clinical testing. Allele origin: germline. Not counted in ClinVar's aggregate classification.
Comment: Likely benign based on allele frequency in 1000 Genomes Project or ESP global frequency and its presence in a patient with a rare or unrelated disease phenotype. NOT Sanger confirmed.

Genome Diagnostics Laboratory, University Medical Center Utrecht
Classification: Benign. Review status: no assertion criteria provided. Collection method: clinical testing. Allele origin: germline. Affected: yes. Study: VKGL Data-share Consensus. Not counted in ClinVar's aggregate classification.

Joint Genome Diagnostic Labs from Nijmegen and Maastricht, Radboudumc and MUMC+
Classification: Benign. Review status: no assertion criteria provided. Collection method: clinical testing. Allele origin: germline. Affected: yes. Study: VKGL Data-share Consensus. Not counted in ClinVar's aggregate classification.